The following is an entry in ClinVar:

NM_014874.4(MFN2):c.518T>C (p.Leu173Pro)

Gene: MFN2 (mitofusin 2; plus strand). Cytogenetic location: 1p36.22.
Variant type: single nucleotide variant.
Coding change: c.518T>C on transcript NM_014874.4 (MANE Select); coding-DNA position 518, T replaced by C.
Protein change: p.Leu173Pro; replaces leucine 173 with proline.
Molecular consequence: missense variant.
Genome position (GRCh38, 1-based): chr1:11,997,340, T>C. VCF-style: chr1-11997340-T-C. GRCh37 (hg19) VCF-style: chr1-12057397-T-C.
Other names: c.518T>C, p.Leu173Pro (NM_001127660.2); short protein forms L173P.
Identifiers: ClinVar variation 1385553 (VCV001385553.8), dbSNP rs2100826229, ClinGen allele CA338436413.

ClinVar aggregate classification (germline): Uncertain significance (1 of 4 stars; one submission).

Conditions:
Charcot-Marie-Tooth disease type 2. Also called: Charcot-Marie-Tooth type 2. Identifiers: Orphanet 64746, MedGen C0270914, MONDO:0018993.

Submission:

Labcorp Genetics (formerly Invitae), Labcorp
Classification: Uncertain significance for Charcot-Marie-Tooth disease type 2. Last evaluated: 2025-05-05. Review status: criteria provided, single submitter. Criteria: Invitae Variant Classification Sherloc (09022015). Collection method: clinical testing. Allele origin: germline.
Comment: This sequence change replaces leucine, which is neutral and non-polar, with proline, which is neutral and non-polar, at codon 173 of the MFN2 protein (p.Leu173Pro). This variant is not present in population databases (gnomAD no frequency). This variant has not been reported in the literature in individuals affected with MFN2-related conditions. ClinVar contains an entry for this variant (Variation ID: 1385553). Invitae Evidence Modeling of protein sequence and biophysical properties (such as structural, functional, and spatial information, amino acid conservation, physicochemical variation, residue mobility, and thermodynamic stability) indicates that this missense variant is expected to disrupt MFN2 protein function with a positive predictive value of 95%. In summary, the available evidence is currently insufficient to determine the role of this variant in disease. Therefore, it has been classified as a Variant of Uncertain Significance.